The following is an entry in ClinVar:

ClinVar aggregate classification (germline): Likely pathogenic. Review status: criteria provided, multiple submitters, no conflicts (2 of 4 stars). 2 submissions from 2 submitters: Likely pathogenic (2). Last evaluated 2024-03-14.

Conditions:
Hereditary spastic paraplegia 15 (SPG15). Also called: SPASTIC PARAPLEGIA 15, AUTOSOMAL RECESSIVE; KJELLIN SYNDROME; SPASTIC PARAPLEGIA AND RETINAL DEGENERATION. Identifiers: Orphanet 100996, MedGen C1849128, MONDO:0010044, OMIM 270700.

Submissions (2):

Fulgent Genetics
Classification: Likely pathogenic for Hereditary spastic paraplegia 15. Last evaluated: 2024-03-14. Review status: criteria provided, single submitter. Criteria: ACMG Guidelines, 2015. Collection method: clinical testing. Allele origin: germline.

Myriad Genetics, Inc.
Classification: Likely pathogenic for Hereditary spastic paraplegia 15. Last evaluated: 2022-03-08. Review status: criteria provided, single submitter. Criteria: Myriad Women's Health Autosomal Recessive and X-Linked Classification Criteria (2021). Collection method: clinical testing. Allele origin: unknown.
Comment: NM_015346.3(ZFYVE26):c.2030delG(G677Dfs*9) is expected to be pathogenic in the context of spastic paraplegia type 15. This variant is predicted to lead to an abnormal or absent protein product due to the creation of a premature termination codon in ZFYVE26, a gene where loss-of-function variants are known to be pathogenic. Please note: this variant was assessed in the context of healthy population screening.

NM_015346.4(ZFYVE26):c.2030del (p.Gly677fs)

Gene: ZFYVE26 (zinc finger FYVE-type containing 26; minus strand). Cytogenetic location: 14q24.1.
Variant type: Deletion.
Coding change: c.2030del on transcript NM_015346.4 (MANE Select); coding-DNA position 2030, one base deleted (G; older notation c.2030delG).
Protein change: p.Gly677fs; shifts the reading frame from glycine 677.
Molecular consequence: frameshift variant.
Genome position (GRCh38, 1-based): chr14:67,798,232, C deleted on the plus strand (G on the coding strand, the reverse complement: ZFYVE26 is on the minus strand); the first of 2 consecutive C bases (chr14:67,798,232-67,798,233); deleting either gives the same sequence. VCF-style (leftmost placement, unchanged base first): chr14-67798231-TC-T. GRCh37 (hg19) VCF-style: chr14-68264948-TC-T.
Other names: short protein forms G677fs.
Identifiers: ClinVar variation 1725083 (VCV001725083.3), dbSNP rs2502856694, ClinGen allele CA2580088610.
Genomic context (GRCh38, chr14:67,798,231, plus strand): 5'-ATCCAGTTGCTCTTGGAGAAGCCTGAGGAAGGCCCCTATTGCAAATTCATCAGCCAGAAA[TC>T]CACTGATACCACTAGTAAAGTGTTTTAAGTCCAAAAAGCTGTGCCTATGAGGCCCTGGGT-3'